The following is an entry in ClinVar:

NM_005045.4(RELN):c.8141A>G (p.His2714Arg)

Genes: RELN (reelin; minus strand), SLC26A5-AS1 (SLC26A5 antisense RNA 1; plus strand). Cytogenetic location: 7q22.1.
Variant type: single nucleotide variant.
Coding change: c.8141A>G on transcript NM_005045.4 (MANE Select); coding-DNA position 8141, A replaced by G.
Protein change: p.His2714Arg; replaces histidine 2714 with arginine.
Molecular consequence: missense variant.
Genome position (GRCh38, 1-based): chr7:103,510,984, T>C on the plus strand (A>G on the coding strand, the complement: RELN is on the minus strand). VCF-style: chr7-103510984-T-C. GRCh37 (hg19) VCF-style: chr7-103151431-T-C.
Other names: c.8141A>G, p.His2714Arg (NM_173054.3); short protein forms H2714R.
Identifiers: ClinVar variation 578802 (VCV000578802.7), dbSNP rs746594396, ClinGen allele CA4420544.
Genomic context (GRCh38, chr7:103,510,984, plus strand): 5'-CTGCCACAGAGCATCACACCATCAGGGGAGTCACAGAATCTTTCTACTGTACAATCATCA[T>C]GGAATAGCCAGTGCTCATTCACTTAAAACAAAAAAACAAAATTTTATGACAAATTTGTGA-3'
Protein context (NP_005036.2, residues 2704-2724): KTSVNEHWLF[His2714Arg]DDCTVERFCD

ClinVar aggregate classification (germline): Uncertain significance. Review status: criteria provided, multiple submitters, no conflicts (2 of 4 stars). 2 submissions from 2 submitters: Uncertain significance (2). Last evaluated 2025-01-20.

Conditions:
Familial temporal lobe epilepsy 7. Identifiers: Orphanet 101046, MedGen C4225327, MONDO:0014639, OMIM 616436.
Norman-Roberts syndrome (LIS2). Also called: Lissencephaly 2 (Norman-Roberts type). Identifiers: Orphanet 89844, MedGen C0796089, MONDO:0009760, OMIM 257320.
Inborn genetic diseases. Identifiers: MedGen C0950123, MeSH D030342.

Allele frequency attached by ClinVar (database versions not stated): ExAC 0.00001; gnomAD exomes 0.00001 and 0.00005; TOPMed 0.00004; gnomAD 0.00005 and 0.00006.
gnomAD v4.1: 80 of 1,613,730 alleles (0.005%); highest among the groups gnomAD compares: Non-Finnish European, 0.0062%; no homozygotes.

Submissions (2):

Ambry Genetics
Classification: Uncertain significance for Inborn genetic diseases. Last evaluated: 2025-01-20. Review status: criteria provided, single submitter. Criteria: Ambry Variant Classification Scheme 2023. Collection method: clinical testing. Allele origin: germline.

Labcorp Genetics (formerly Invitae), Labcorp
Classification: Uncertain significance for Familial temporal lobe epilepsy 7; Norman-Roberts syndrome. Last evaluated: 2025-01-13. Review status: criteria provided, single submitter. Criteria: Invitae Variant Classification Sherloc (09022015). Collection method: clinical testing. Allele origin: germline.
Comment: This sequence change replaces histidine, which is basic and polar, with arginine, which is basic and polar, at codon 2714 of the RELN protein (p.His2714Arg). This variant is present in population databases (rs746594396, gnomAD 0.006%). This variant has not been reported in the literature in individuals affected with RELN-related conditions. ClinVar contains an entry for this variant (Variation ID: 578802). Invitae Evidence Modeling of protein sequence and biophysical properties (such as structural, functional, and spatial information, amino acid conservation, physicochemical variation, residue mobility, and thermodynamic stability) indicates that this missense variant is not expected to disrupt RELN protein function with a negative predictive value of 80%. In summary, the available evidence is currently insufficient to determine the role of this variant in disease. Therefore, it has been classified as a Variant of Uncertain Significance.